The following is an entry in ClinVar:

ClinVar aggregate classification (germline): Likely pathogenic (1 of 4 stars; one submission).

Conditions:
Hereditary cancer-predisposing syndrome. Also called: Hereditary Cancer Syndrome; Hereditary neoplastic syndrome; Neoplastic Syndromes, Hereditary; Tumor predisposition. Identifiers: Orphanet 140162, MedGen C0027672, MeSH D009386, MONDO:0015356.

Submission:

Sema4
Classification: Likely pathogenic for Hereditary cancer-predisposing syndrome. Last evaluated: 2020-12-25. Review status: criteria provided, single submitter. Criteria: Sema4 Curation Guidelines. Collection method: curation. Allele origin: germline.
Comment: The PMS2 c.15_16insCTCTC (p.S6LfsX30) variant has not been reported in the literature to our knowledge. This variant causes a frameshift at amino acid 6 that results in premature termination 30 amino acids downstream. At this location, this is predicted to cause nonsense-mediated decay and result in an absent protein (loss of function). Loss of function variants in PMS2 are known to be pathogenic (PMID: 24362816). This variant is not reported in the population database Genome Aggregation Database (PMID: 27535533). Based on the current evidence available, this variant is interpreted as likely pathogenic.

Literature cited by the submitters: PubMed 24362816.

NM_000535.7(PMS2):c.15_16insCTCTC (p.Ser6fs)

Gene: PMS2 (PMS1 homolog 2, mismatch repair system component; minus strand). Cytogenetic location: 7p22.1.
Variant type: Insertion.
Coding change: c.15_16insCTCTC on transcript NM_000535.7 (MANE Select); coding-DNA positions 15 to 16, CTCTC inserted.
Protein change: p.Ser6fs; shifts the reading frame from serine 6.
Molecular consequence: frameshift variant. On other transcripts: 5 prime UTR variant (11), non-coding transcript variant (1).
Genome position: GRCh38 VCF-style: chr7-6009004-T-TGAGAG. GRCh37 (hg19) VCF-style: chr7-6048635-T-TGAGAG.
Other names: c.-386_-385insCTCTC (NM_001322003.2, NM_001322013.2); c.-251_-250insCTCTC (NM_001322004.2, NM_001322010.2); c.-581_-580insCTCTC (NM_001322005.2); c.15_16insCTCTC, p.Ser6fs (NM_001322006.2, NM_001322014.2); c.-201_-200insCTCTC (NM_001322007.2); c.-61_-60insCTCTC (NM_001322008.2); c.-576_-575insCTCTC (NM_001322009.2); c.-870_-869insCTCTC (NM_001322011.2); and 2 more; short protein forms S6fs.
Identifiers: ClinVar variation 1692457 (VCV001692457.1), dbSNP rs2128865982, ClinGen allele CA2573141962.